The following is an entry in ClinVar:

ClinVar aggregate classification (germline): Uncertain significance (1 of 4 stars; one submission).

gnomAD v4.1: 1 of 1,611,534 alleles (0.000062%); highest among the groups gnomAD compares: Non-Finnish European, 0.000085%; no homozygotes.

Submission:

Labcorp Genetics (formerly Invitae), Labcorp
Classification: Uncertain significance. Last evaluated: 2022-03-12. Review status: criteria provided, single submitter. Criteria: Invitae Variant Classification Sherloc (09022015). Collection method: clinical testing. Allele origin: germline.
Comment: In summary, the available evidence is currently insufficient to determine the role of this variant in disease. Therefore, it has been classified as a Variant of Uncertain Significance. Algorithms developed to predict the effect of missense changes on protein structure and function are either unavailable or do not agree on the potential impact of this missense change (SIFT: "Deleterious"; PolyPhen-2: "Probably Damaging"; Align-GVGD: "Class C0"). This variant has not been reported in the literature in individuals affected with RGS9-related conditions. This variant is not present in population databases (gnomAD no frequency). This sequence change replaces cysteine, which is neutral and slightly polar, with phenylalanine, which is neutral and non-polar, at codon 182 of the RGS9 protein (p.Cys182Phe).

NM_003835.4(RGS9):c.545G>T (p.Cys182Phe)

Gene: RGS9 (regulator of G protein signaling 9; plus strand). Cytogenetic location: 17q24.1.
Variant type: single nucleotide variant.
Coding change: c.545G>T on transcript NM_003835.4 (MANE Select); coding-DNA position 545, G replaced by T.
Protein change: p.Cys182Phe; replaces cysteine 182 with phenylalanine.
Molecular consequence: missense variant.
Genome position (GRCh38, 1-based): chr17:65,168,244, G>T. VCF-style: chr17-65168244-G-T. GRCh37 (hg19) VCF-style: chr17-63164362-G-T.
Other names: c.545G>T, p.Cys182Phe (NM_001081955.3, NM_001165933.2); short protein forms C182F.
Identifiers: ClinVar variation 2110202 (VCV002110202.4), dbSNP rs1300650149, ClinGen allele CA400666477.
Genomic context (GRCh38, chr17:65,168,244, plus strand): 5'-GCTTTTGGCTTTCCAGGGCTGGAAAGGAGAGGAACAAAGCAGACAGATATGCCCTGGACT[G>T]CCAGGAGAAGGCATACTGGCTGGTGCACCGATGCCCTGTGAGTATCCTCCTGCCTGGTGT-3'
Protein context (NP_003826.2, residues 172-192): RNKADRYALD[Cys182Phe]QEKAYWLVHR